The following is an entry in ClinVar:

NM_004958.4(MTOR):c.1114C>G (p.Gln372Glu)

Gene: MTOR (mechanistic target of rapamycin kinase; minus strand). Cytogenetic location: 1p36.22.
Variant type: single nucleotide variant.
Coding change: c.1114C>G on transcript NM_004958.4 (MANE Select); coding-DNA position 1114, C replaced by G.
Protein change: p.Gln372Glu; replaces glutamine 372 with glutamic acid.
Molecular consequence: missense variant. On other transcripts: 5 prime UTR variant (1).
Genome position (GRCh38, 1-based): chr1:11,247,821, G>C on the plus strand (C>G on the coding strand, the complement: MTOR is on the minus strand). VCF-style: chr1-11247821-G-C. GRCh37 (hg19) VCF-style: chr1-11307878-G-C.
Other names: c.1114C>G, p.Gln372Glu (NM_001386500.1); c.-26C>G (NM_001386501.1); short protein forms Q372E.
Identifiers: ClinVar variation 2743204 (VCV002743204.3), dbSNP rs1054582075, ClinGen allele CA17951457.

ClinVar aggregate classification (germline): Uncertain significance (1 of 4 stars; one submission).

Allele frequency attached by ClinVar (database versions not stated): gnomAD 0.00001; gnomAD exomes 0.00001; TOPMed 0.00001.
gnomAD v4.1: 13 of 1,612,684 alleles (0.00081%); highest among the groups gnomAD compares: Non-Finnish European, 0.0011%; no homozygotes.

Submission:

Labcorp Genetics (formerly Invitae), Labcorp
Classification: Uncertain significance. Last evaluated: 2023-07-14. Review status: criteria provided, single submitter. Criteria: Invitae Variant Classification Sherloc (09022015). Collection method: clinical testing. Allele origin: germline.
Comment: This sequence change replaces glutamine, which is neutral and polar, with glutamic acid, which is acidic and polar, at codon 372 of the MTOR protein (p.Gln372Glu). This variant is present in population databases (no rsID available, gnomAD 0.0009%). This variant has not been reported in the literature in individuals affected with MTOR-related conditions. An algorithm developed to predict the effect of missense changes on protein structure and function (PolyPhen-2) suggests that this variant is likely to be tolerated. In summary, the available evidence is currently insufficient to determine the role of this variant in disease. Therefore, it has been classified as a Variant of Uncertain Significance.